The following is an entry in ClinVar:

NM_020822.3(KCNT1):c.1510+80C>T

Gene: KCNT1 (potassium sodium-activated channel subfamily T member 1; plus strand). Cytogenetic location: 9q34.3.
Variant type: single nucleotide variant.
Coding change: c.1510+80C>T on transcript NM_020822.3 (MANE Select); 80 bases into the intron after coding-DNA position 1510, C replaced by T.
Molecular consequence: intron variant.
Genome position (GRCh38, 1-based): chr9:135,769,017, C>T. VCF-style: chr9-135769017-C-T. GRCh37 (hg19) VCF-style: chr9-138660863-C-T.
Other names: NC_000009.11:g.138660863C>T; c.1375+80C>T (NM_001272003.2).
Identifiers: ClinVar variation 677521 (VCV000677521.2), dbSNP rs188246311, ClinGen allele CA201472110.

ClinVar aggregate classification (germline): Likely benign (1 of 4 stars; one submission).

Allele frequency attached by ClinVar (database versions not stated): gnomAD 0.00716 and 0.00687; gnomAD exomes 0.00724; TOPMed 0.00489; 1000 Genomes Project 0.00339.
gnomAD v4.1: 7,849 of 1,101,056 alleles (0.71%); highest among the groups gnomAD compares: Non-Finnish European, 0.73%; 67 homozygotes.

Submissions (2):

GeneDx
Classification: Likely benign. Last evaluated: 2018-06-19. Review status: criteria provided, single submitter. Criteria: GeneDx Variant Classification (06012015). Collection method: clinical testing. Allele origin: germline. Affected: yes.
Comment: This variant is considered likely benign or benign based on one or more of the following criteria: it is a conservative change, it occurs at a poorly conserved position in the protein, it is predicted to be benign by multiple in silico algorithms, and/or has population frequency not consistent with disease.

Dr. Peter K. Rogan Lab, Western University
No classification provided (evidence only). Condition: Lung cancer. Review status: no classification provided. Collection method: in vitro. Allele origin: not applicable. Functional consequence: retained intron. Not counted in ClinVar's aggregate classification.